The following is an entry in ClinVar:

ClinVar aggregate classification (germline): Uncertain significance. Review status: criteria provided, multiple submitters, no conflicts (2 of 4 stars). 5 submissions from 5 submitters: Uncertain significance (5). Last evaluated 2024-10-23.

Conditions:
Stüve-Wiedemann syndrome 1. Also called: STUVE-WIEDEMANN/SCHWARTZ-JAMPEL TYPE 2 SYNDROME. Identifiers: Orphanet 3206, MedGen C5676888, MONDO:0800043, OMIM 601559.
Inborn genetic diseases. Identifiers: MedGen C0950123, MeSH D030342.

Allele frequency attached by ClinVar (database versions not stated): gnomAD 0.00011; TOPMed 0.00013; ESP Exome Variant Server 0.00023; ExAC 0.00026.
gnomAD v4.1: 354 of 1,613,186 alleles (0.022%); highest among the groups gnomAD compares: South Asian, 0.042%; no homozygotes.

Submissions (5):

Blueprint Genetics
Classification: Uncertain significance. Last evaluated: 2024-10-23. Review status: criteria provided, single submitter. Criteria: ACMG Guidelines, 2015. Collection method: clinical testing. Allele origin: germline.

Fulgent Genetics
Classification: Uncertain significance for Stüve-Wiedemann syndrome 1. Last evaluated: 2024-04-29. Review status: criteria provided, single submitter. Criteria: ACMG Guidelines, 2015. Collection method: clinical testing. Allele origin: germline.

GeneDx
Classification: Uncertain significance. Last evaluated: 2024-02-23. Review status: criteria provided, single submitter. Criteria: GeneDx Variant Classification Process June 2021. Collection method: clinical testing. Allele origin: germline. Affected: yes.
Comment: In silico analysis indicates that this missense variant does not alter protein structure/function; Has not been previously published as pathogenic or benign to our knowledge

Ambry Genetics
Classification: Uncertain significance for Inborn genetic diseases. Last evaluated: 2022-12-27. Review status: criteria provided, single submitter. Criteria: Ambry Variant Classification Scheme 2023. Collection method: clinical testing. Allele origin: germline.

Labcorp Genetics (formerly Invitae), Labcorp
Classification: Uncertain significance. Last evaluated: 2022-03-16. Review status: criteria provided, single submitter. Criteria: Invitae Variant Classification Sherloc (09022015). Collection method: clinical testing. Allele origin: germline.
Comment: This sequence change replaces isoleucine, which is neutral and non-polar, with methionine, which is neutral and non-polar, at codon 783 of the LIFR protein (p.Ile783Met). This variant is present in population databases (rs371539913, gnomAD 0.05%). This variant has not been reported in the literature in individuals affected with LIFR-related conditions. Algorithms developed to predict the effect of missense changes on protein structure and function (SIFT, PolyPhen-2, Align-GVGD) all suggest that this variant is likely to be tolerated. In summary, the available evidence is currently insufficient to determine the role of this variant in disease. Therefore, it has been classified as a Variant of Uncertain Significance.

NM_001127671.2(LIFR):c.2349A>G (p.Ile783Met)

Gene: LIFR (LIF receptor subunit alpha; minus strand). Cytogenetic location: 5p13.1.
Variant type: single nucleotide variant.
Coding change: c.2349A>G on transcript NM_001127671.2 (MANE Select); coding-DNA position 2349, A replaced by G.
Protein change: p.Ile783Met; replaces isoleucine 783 with methionine.
Molecular consequence: missense variant.
Genome position (GRCh38, 1-based): chr5:38,485,967, T>C on the plus strand (A>G on the coding strand, the complement: LIFR is on the minus strand). VCF-style: chr5-38485967-T-C. GRCh37 (hg19) VCF-style: chr5-38486069-T-C.
Other names: c.2349A>G, p.Ile783Met (NM_001364297.2, NM_001364298.2, NM_002310.6); short protein forms I783M.
Identifiers: ClinVar variation 2052395 (VCV002052395.5), dbSNP rs371539913, ClinGen allele CA3242682.